The following is an entry in ClinVar:

NM_001940.4(ATN1):c.1927G>A (p.Ala643Thr)

Gene: ATN1 (atrophin 1; plus strand). Cytogenetic location: 12p13.31.
Variant type: single nucleotide variant.
Coding change: c.1927G>A on transcript NM_001940.4 (MANE Select); coding-DNA position 1927, G replaced by A.
Protein change: p.Ala643Thr; replaces alanine 643 with threonine.
Molecular consequence: missense variant.
Genome position (GRCh38, 1-based): chr12:6,937,194, G>A. VCF-style: chr12-6937194-G-A. GRCh37 (hg19) VCF-style: chr12-7046357-G-A.
Other names: c.1927G>A, p.Ala643Thr (NM_001007026.2, NM_001424176.1, NM_001424177.1 and 1 more transcripts); c.1924G>A, p.Ala642Thr (NM_001424179.1, NM_001424180.1); c.1906G>A, p.Ala636Thr (NM_001424181.1); c.1903G>A, p.Ala635Thr (NM_001424182.1); short protein forms A635T, A636T, A642T, A643T.
Identifiers: ClinVar variation 2631511 (VCV002631511.2), dbSNP rs1591664597, ClinGen allele CA383731849.
Genomic context (GRCh38, chr12:6,937,194, plus strand): 5'-TCCTCGCCAGCAGGCTACAAAACGGCCTCCCCACCTGGGCCCCCACCGTACGGAAAGAGA[G>A]CCCCGTCCCCGGGGGCCTACAAGACAGCCACCCCACCCGGATACAAACCCGGGTCGCCTC-3'
Protein context (NP_001931.2, residues 633-653): PPGPPPYGKR[Ala643Thr]PSPGAYKTAT

ClinVar aggregate classification (germline): Uncertain significance (1 of 4 stars; one submission).

Conditions:
ATN1-related disorder. Also called: ATN1-related condition; ATN1-related disorders.

Submission:

PreventionGenetics, part of Exact Sciences
Classification: Uncertain significance for ATN1-related condition. Last evaluated: 2026-05-06. Review status: criteria provided, single submitter. Criteria: ACMG Guidelines, 2015. Collection method: clinical testing. Allele origin: germline.
Comment: The ATN1 c.1927G>A variant is predicted to result in the amino acid substitution p.Ala643Thr. To our knowledge, this variant has not been reported in the literature or in a large population database (gnomAD), indicating this variant is rare. At this time, the clinical significance of this variant is uncertain due to the absence of conclusive functional and genetic evidence.